The following is an entry in ClinVar:

ClinVar aggregate classification (germline): Uncertain significance (1 of 4 stars; one submission).

Conditions:
3-methylcrotonyl-CoA carboxylase 1 deficiency (MCC1D). Also called: MCCD TYPE 1; METHYLCROTONYLGLYCINURIA TYPE I; MCC 1 deficiency; 3 Alpha methylcrotonylglycinuria 1. Identifiers: Orphanet 6, MedGen CN028786, MONDO:0008861, OMIM 210200.

gnomAD v4.1: 1 of 1,613,878 alleles (0.000062%); highest among the groups gnomAD compares: South Asian, 0.0011%; no homozygotes.

Submission:

Labcorp Genetics (formerly Invitae), Labcorp
Classification: Uncertain significance for 3-methylcrotonyl-CoA carboxylase 1 deficiency. Last evaluated: 2025-03-10. Review status: criteria provided, single submitter. Criteria: Invitae Variant Classification Sherloc (09022015). Collection method: clinical testing. Allele origin: germline.
Comment: This sequence change replaces methionine, which is neutral and non-polar, with valine, which is neutral and non-polar, at codon 680 of the MCCC1 protein (p.Met680Val). This variant is not present in population databases (gnomAD no frequency). This variant has not been reported in the literature in individuals affected with MCCC1-related conditions. Invitae Evidence Modeling of protein sequence and biophysical properties (such as structural, functional, and spatial information, amino acid conservation, physicochemical variation, residue mobility, and thermodynamic stability) indicates that this missense variant is expected to disrupt MCCC1 protein function with a positive predictive value of 95%. In summary, the available evidence is currently insufficient to determine the role of this variant in disease. Therefore, it has been classified as a Variant of Uncertain Significance.

NM_020166.5(MCCC1):c.2038A>G (p.Met680Val)

Gene: MCCC1 (methylcrotonyl-CoA carboxylase subunit 1; minus strand). Cytogenetic location: 3q27.1.
Variant type: single nucleotide variant.
Coding change: c.2038A>G on transcript NM_020166.5 (MANE Select); coding-DNA position 2038, A replaced by G.
Protein change: p.Met680Val; replaces methionine 680 with valine.
Molecular consequence: missense variant. On other transcripts: non-coding transcript variant (2).
Genome position (GRCh38, 1-based): chr3:183,017,277, T>C on the plus strand (A>G on the coding strand, the complement: MCCC1 is on the minus strand). VCF-style: chr3-183017277-T-C. GRCh37 (hg19) VCF-style: chr3-182735065-T-C.
Other names: c.1687A>G, p.Met563Val (NM_001293273.2); c.1711A>G, p.Met571Val (NM_001363880.1); short protein forms M563V, M680V, M571V.
Identifiers: ClinVar variation 4705594 (VCV004705594.1).